The following is an entry in ClinVar:

NM_022089.4(ATP13A2):c.1767G>A (p.Pro589=)

Gene: ATP13A2 (ATPase cation transporting 13A2; minus strand). Cytogenetic location: 1p36.13.
Variant type: single nucleotide variant.
Coding change: c.1767G>A on transcript NM_022089.4 (MANE Select); coding-DNA position 1767, G replaced by A.
Protein change: p.Pro589=; no amino-acid change (proline 589 retained).
Molecular consequence: synonymous variant.
Genome position (GRCh38, 1-based): chr1:16,992,564, C>T on the plus strand (G>A on the coding strand, the complement: ATP13A2 is on the minus strand). VCF-style: chr1-16992564-C-T. GRCh37 (hg19) VCF-style: chr1-17319059-C-T.
Other names: c.1752G>A, p.Pro584= (NM_001141973.3, NM_001141974.3).
Identifiers: ClinVar variation 707755 (VCV000707755.16), dbSNP rs752208167, ClinGen allele CA637088.

ClinVar aggregate classification (germline): Conflicting classifications of pathogenicity. Review status: criteria provided, conflicting classifications (1 of 4 stars). 4 submissions from 4 submitters: Uncertain significance (1); Benign (1); Likely benign (2). Last evaluated 2026-07-01.

Conditions:
Kufor-Rakeb syndrome (KRS). Also called: PARKINSON DISEASE 9, AUTOSOMAL RECESSIVE, JUVENILE-ONSET. Identifiers: Orphanet 306674, Orphanet 314632, MedGen C1847640, MONDO:0011706, OMIM 606693.
Autosomal recessive spastic paraplegia type 78. Identifiers: Orphanet 513436, MedGen C5567893, MONDO:0014975, OMIM 617225.

Allele frequency attached by ClinVar (database versions not stated): gnomAD exomes 0.00006 and 0.00025; gnomAD 0.00009 and 0.00011; TOPMed 0.00011; ExAC 0.00024.
gnomAD v4.1: 100 of 1,614,058 alleles (0.0062%); highest among the groups gnomAD compares: Admixed American, 0.12%; no homozygotes.

Submissions (4):

CeGaT Center for Human Genetics Tuebingen
Classification: Likely benign. Last evaluated: 2026-07-01. Review status: criteria provided, single submitter. Criteria: CeGaT Center For Human Genetics Tuebingen Variant Classification Criteria Version 2. Collection method: clinical testing. Allele origin: germline. Affected: yes. Observed: 2 variant alleles.
Comment: ATP13A2: BP4, BP7

Labcorp Genetics (formerly Invitae), Labcorp
Classification: Likely benign for Kufor-Rakeb syndrome; Autosomal recessive spastic paraplegia type 78. Last evaluated: 2026-01-09. Review status: criteria provided, single submitter. Criteria: Invitae Variant Classification Sherloc (09022015). Collection method: clinical testing. Allele origin: germline.

Athena Diagnostics
Classification: Benign. Last evaluated: 2020-03-10. Review status: criteria provided, single submitter. Criteria: Athena Diagnostics Criteria. Collection method: clinical testing. Allele origin: unknown.

Illumina Laboratory Services, Illumina
Classification: Uncertain significance for Kufor-Rakeb syndrome. Last evaluated: 2018-01-13. Review status: criteria provided, single submitter. Criteria: ICSL Variant Classification Criteria 13 December 2019. Collection method: clinical testing. Allele origin: germline.